The following is an entry in ClinVar:

ClinVar aggregate classification (germline): Uncertain significance (1 of 4 stars; one submission).

Conditions:
Idiopathic generalized epilepsy. Also called: EIG; Generalised epilepsy. Identifiers: MedGen C0270850, MONDO:0005579, OMIM 600669.
Hyperaldosteronism, familial, type IV (HALD4). Also called: FH IV; ALDOSTERONISM, PRIMARY, AND HYPERTENSION. Identifiers: Orphanet 642671, MedGen C4310756, MONDO:0014875, OMIM 617027.

Submission:

Labcorp Genetics (formerly Invitae), Labcorp
Classification: Uncertain significance for Idiopathic generalized epilepsy; Hyperaldosteronism, familial, type IV. Last evaluated: 2024-05-10. Review status: criteria provided, single submitter. Criteria: Invitae Variant Classification Sherloc (09022015). Collection method: clinical testing. Allele origin: germline.
Comment: This sequence change replaces arginine, which is basic and polar, with glycine, which is neutral and non-polar, at codon 1315 of the CACNA1H protein (p.Arg1315Gly). This variant is not present in population databases (gnomAD no frequency). This missense change has been observed in individual(s) with clinical features of CACNA1H-related condition (PMID: 34098317). Advanced modeling of protein sequence and biophysical properties (such as structural, functional, and spatial information, amino acid conservation, physicochemical variation, residue mobility, and thermodynamic stability) performed at Invitae indicates that this missense variant is expected to disrupt CACNA1H protein function with a positive predictive value of 80%. In summary, the available evidence is currently insufficient to determine the role of this variant in disease. Therefore, it has been classified as a Variant of Uncertain Significance.

Literature cited by the submitters: PubMed 34098317.

NM_021098.3(CACNA1H):c.3943A>G (p.Arg1315Gly)

Gene: CACNA1H (calcium voltage-gated channel subunit alpha1 H; plus strand). Cytogenetic location: 16p13.3.
Variant type: single nucleotide variant.
Coding change: c.3943A>G on transcript NM_021098.3 (MANE Select); coding-DNA position 3943, A replaced by G.
Protein change: p.Arg1315Gly; replaces arginine 1315 with glycine.
Molecular consequence: missense variant.
Genome position (GRCh38, 1-based): chr16:1,210,467, A>G. VCF-style: chr16-1210467-A-G. GRCh37 (hg19) VCF-style: chr16-1260467-A-G.
Other names: c.3943A>G, p.Arg1315Gly (NM_001005407.2); short protein forms R1315G.
Identifiers: ClinVar variation 3756284 (VCV003756284.2).